The following is an entry in ClinVar:

NM_004371.4(COPA):c.331G>A (p.Ala111Thr)

Gene: COPA (coat protein complex I subunit alpha; minus strand). Cytogenetic location: 1q23.2.
Variant type: single nucleotide variant.
Coding change: c.331G>A on transcript NM_004371.4 (MANE Select); coding-DNA position 331, G replaced by A.
Protein change: p.Ala111Thr; replaces alanine 111 with threonine.
Molecular consequence: missense variant.
Genome position (GRCh38, 1-based): chr1:160,333,658, C>T on the plus strand (G>A on the coding strand, the complement: COPA is on the minus strand). VCF-style: chr1-160333658-C-T. GRCh37 (hg19) VCF-style: chr1-160303448-C-T.
Other names: c.331G>A, p.Ala111Thr (NM_001098398.2); short protein forms A111T.
Identifiers: ClinVar variation 1037775 (VCV001037775.33), dbSNP rs377473059, ClinGen allele CA1198395.

ClinVar aggregate classification (germline): Uncertain significance. Review status: criteria provided, multiple submitters, no conflicts (2 of 4 stars). 3 submissions from 3 submitters: Uncertain significance (3). Last evaluated 2025-12-08.

Conditions:
Autoimmune interstitial lung disease-arthritis syndrome. Also called: Autoinflammation and autoimmunity, systemic, with immune dysregulation. Identifiers: Orphanet 444092, MedGen C5975714, MONDO:0014629.

Allele frequency attached by ClinVar (database versions not stated): TOPMed below 0.00001; gnomAD exomes 0.00001 and 0.00002; ExAC 0.00004; ESP Exome Variant Server 0.00008.
gnomAD v4.1: 13 of 1,612,980 alleles (0.00081%); highest among the groups gnomAD compares: Middle Eastern, 0.017%; no homozygotes.

Submissions (3):

Labcorp Genetics (formerly Invitae), Labcorp
Classification: Uncertain significance for Autoimmune interstitial lung disease-arthritis syndrome. Last evaluated: 2025-12-08. Review status: criteria provided, single submitter. Criteria: Invitae Variant Classification Sherloc (09022015). Collection method: clinical testing. Allele origin: germline.
Comment: This sequence change replaces alanine, which is neutral and non-polar, with threonine, which is neutral and polar, at codon 111 of the COPA protein (p.Ala111Thr). This variant is present in population databases (rs377473059, gnomAD 0.004%). This variant has not been reported in the literature in individuals affected with COPA-related conditions. ClinVar contains an entry for this variant (Variation ID: 1037775). Invitae Evidence Modeling of protein sequence and biophysical properties (such as structural, functional, and spatial information, amino acid conservation, physicochemical variation, residue mobility, and thermodynamic stability) indicates that this missense variant is expected to disrupt COPA protein function with a positive predictive value of 80%. In summary, the available evidence is currently insufficient to determine the role of this variant in disease. Therefore, it has been classified as a Variant of Uncertain Significance.

CeGaT Center for Human Genetics Tuebingen
Classification: Uncertain significance. Last evaluated: 2022-10-01. Review status: criteria provided, single submitter. Criteria: CeGaT Center For Human Genetics Tuebingen Variant Classification Criteria Version 2. Collection method: clinical testing. Allele origin: germline. Affected: yes. Observed: 1 variant allele.
Comment: COPA: PP2

Fulgent Genetics
Classification: Uncertain significance for Autoinflammation and autoimmunity with immune dysregulation 1. Last evaluated: 2021-09-21. Review status: criteria provided, single submitter. Criteria: ACMG Guidelines, 2015. Collection method: clinical testing. Allele origin: unknown.